The following is an entry in ClinVar:

ClinVar aggregate classification (germline): Uncertain significance (1 of 4 stars; one submission).

Conditions:
Cardiovascular phenotype. Identifiers: MedGen CN230736.

Submission:

Ambry Genetics
Classification: Uncertain significance for Cardiovascular phenotype. Last evaluated: 2026-04-22. Review status: criteria provided, single submitter. Criteria: Ambry Variant Classification Scheme 2023. Collection method: clinical testing. Allele origin: germline.
Comment: The p.G58D variant (also known as c.173G>A), located in coding exon 6 of the TNNT2 gene, results from a G to A substitution at nucleotide position 173. The glycine at codon 58 is replaced by aspartic acid, an amino acid with similar properties. This amino acid position is well conserved in available vertebrate species. In addition, the in silico prediction for this alteration is inconclusive. Based on the available evidence, the clinical significance of this variant remains unclear.

NM_001276345.2(TNNT2):c.203G>A (p.Gly68Asp)

Gene: TNNT2 (troponin T2, cardiac type; minus strand). Cytogenetic location: 1q32.1.
Variant type: single nucleotide variant.
Coding change: c.203G>A on transcript NM_001276345.2 (MANE Select); coding-DNA position 203, G replaced by A.
Protein change: p.Gly68Asp; replaces glycine 68 with aspartic acid.
Molecular consequence: missense variant.
Genome position (GRCh38, 1-based): chr1:201,366,868, C>T on the plus strand (G>A on the coding strand, the complement: TNNT2 is on the minus strand). VCF-style: chr1-201366868-C-T. GRCh37 (hg19) VCF-style: chr1-201335996-C-T.
Other names: c.203G>A, p.Gly68Asp (NM_000364.4, NM_001406723.1); c.173G>A, p.Gly58Asp (NM_001001430.3, NM_001001431.3, NM_001276347.2 and 3 more transcripts); c.158G>A, p.Gly53Asp (NM_001001432.3, NM_001406728.1); c.200G>A, p.Gly67Asp (NM_001276346.2); c.170G>A, p.Gly57Asp (NM_001406725.1); short protein forms G53D, G57D, G58D, G67D, G68D.
Identifiers: ClinVar variation 4865784 (VCV004865784.1).